The following is an entry in ClinVar:

NC_000011.9:g.(?_216698)_(720766_?)dup

Genes: LMNTD2 (lamin tail domain containing 2; minus strand), LMNTD2-AS1 (LMNTD2 antisense RNA 1; plus strand), LRRC56 (leucine rich repeat containing 56; plus strand), RNH1 (ribonuclease/angiogenin inhibitor 1; minus strand), MIR210 (microRNA 210; minus strand) and 24 more. Cytogenetic location: 11p15.5.
Variant type: Duplication.
Identifiers: ClinVar variation 1421885 (VCV001421885.4).

ClinVar aggregate classification (germline): Uncertain significance (1 of 4 stars; one submission).

Conditions:
Immunodeficiency 39 (IMD39). Identifiers: Orphanet 574918, MedGen C4225358, MONDO:0014597, OMIM 616345.

Submission:

Labcorp Genetics (formerly Invitae), Labcorp
Classification: Uncertain significance for Immunodeficiency 39. Last evaluated: 2020-11-18. Review status: criteria provided, single submitter. Criteria: Invitae Variant Classification Sherloc (09022015). Collection method: clinical testing. Allele origin: germline.
Comment: This variant results in a copy number gain of the genomic region encompassing the full coding sequence of the IRF7 gene. The boundaries of this event are unknown as they extend beyond the assayed region for this gene and therefore may encompass additional genes. As the precise location of this event is unknown, it may be in tandem or it may be located elsewhere in the genome. This variant has not been reported in the literature in individuals with IRF7-related conditions. In summary, the available evidence is currently insufficient to determine the role of this variant in disease. Therefore, it has been classified as a Variant of Uncertain Significance.